The following is an entry in ClinVar:

NC_012920.1(MT-ND5):m.13488T>C

Gene: MT-ND5 (mitochondrially encoded NADH dehydrogenase 5; plus strand).
Variant type: single nucleotide variant.
Genome position: chrM-13488-T-C.
Identifiers: ClinVar variation 235486 (VCV000235486.3), dbSNP rs878853050, ClinGen allele CA10581327.

ClinVar aggregate classification (germline): Likely benign (1 of 4 stars; one submission).

Submission:

Center for Pediatric Genomic Medicine, Children's Mercy Hospital and Clinics
Classification: Likely benign. Last evaluated: 2014-10-13. Review status: criteria provided, single submitter. Criteria: ACMG Guidelines, 2015. Collection method: clinical testing. Allele origin: germline.
ClinVar note: Converted during submission from Likely Benign to Likely benign.